The following is an entry in ClinVar:

ClinVar aggregate classification (germline): Benign/Likely benign. Review status: criteria provided, multiple submitters, no conflicts (2 of 4 stars). 13 submissions from 12 submitters: Benign (9); Likely benign (2). 2 of the submissions do not count toward it. Last evaluated 2026-02-04.

Conditions:
Charcot-Marie-Tooth disease dominant intermediate B (CMTDIB). Also called: Charcot-Marie-Tooth disease dominant intermediate 1; CMT DI1; Charcot-Marie-Tooth disease dominant intermediate I; CHARCOT-MARIE-TOOTH NEUROPATHY, DOMINANT INTERMEDIATE B. Identifiers: Orphanet 100044, Orphanet 228179, MedGen C1847902, MONDO:0011674, OMIM 606482.
Autosomal dominant centronuclear myopathy. Also called: MYOTUBULAR MYOPATHY, AUTOSOMAL DOMINANT; Myopathy, centronuclear, 3. Identifiers: Orphanet 169189, MedGen C4551952, MeSH D020914, MONDO:0008048, OMIM 160150.

Allele frequency attached by ClinVar (database versions not stated): gnomAD exomes 0.31233; 1000 Genomes Project 30x 0.33104; 1000 Genomes Project 0.33826; ESP Exome Variant Server 0.28079; TOPMed 0.29840; gnomAD 0.30148.
gnomAD v4.1: 495,394 of 1,613,602 alleles (31%); highest among the groups gnomAD compares: East Asian, 58%; 78,330 homozygotes.

Submissions (13):

Labcorp Genetics (formerly Invitae), Labcorp
Classification: Benign for Charcot-Marie-Tooth disease dominant intermediate B. Last evaluated: 2026-02-04. Review status: criteria provided, single submitter. Criteria: Invitae Variant Classification Sherloc (09022015). Collection method: clinical testing. Allele origin: germline.

Blueprint Genetics
Classification: Benign. Last evaluated: 2024-11-28. Review status: criteria provided, single submitter. Criteria: ACMG Guidelines, 2015. Collection method: clinical testing. Allele origin: germline.

Illumina Laboratory Services, Illumina
Classification: Benign for Autosomal dominant centronuclear myopathy. Last evaluated: 2018-01-12. Review status: criteria provided, single submitter. Criteria: ICSL Variant Classification Criteria 13 December 2019. Collection method: clinical testing. Allele origin: germline.
Comment: This variant was observed in the ICSL laboratory as part of a predisposition screen in an ostensibly healthy population. It had not been previously curated by ICSL or reported in the Human Gene Mutation Database (HGMD: prior to June 1st, 2018), and was therefore a candidate for classification through an automated scoring system. Utilizing variant allele frequency, disease prevalence and penetrance estimates, and inheritance mode, an automated score was calculated to assess if this variant is too frequent to cause the disease. Based on the score and internal cut-off values, a variant classified as benign is not then subjected to further curation. The score for this variant resulted in a classification of benign for this disease.

Illumina Laboratory Services, Illumina
Classification: Benign for Charcot-Marie-Tooth disease dominant intermediate B. Last evaluated: 2018-01-12. Review status: criteria provided, single submitter. Criteria: ICSL Variant Classification Criteria 13 December 2019. Collection method: clinical testing. Allele origin: germline.
Comment: the same text as in the submission from Illumina Laboratory Services, Illumina above.

Athena Diagnostics
Classification: Benign. Last evaluated: 2017-07-12. Review status: criteria provided, single submitter. Criteria: Athena Diagnostics Criteria. Collection method: clinical testing. Allele origin: germline.

Mayo Clinic Laboratories, Mayo Clinic
Classification: Benign. Last evaluated: 2015-10-22. Review status: criteria provided, single submitter. Criteria: ACMG Guidelines, 2015. Collection method: clinical testing. Allele origin: germline. Observed: 1,467 variant alleles.

GeneDx
Classification: Benign. Last evaluated: 2015-03-03. Review status: criteria provided, single submitter. Criteria: GeneDx Variant Classification Process June 2021. Collection method: clinical testing. Allele origin: germline. Affected: yes.

Laboratory for Molecular Medicine, Mass General Brigham Personalized Medicine
Classification: Benign. Last evaluated: 2014-11-24. Review status: criteria provided, single submitter. Criteria: LMM Criteria. Collection method: clinical testing. Allele origin: germline. Observed: 8 variant alleles.
Comment: Ala713Ala in exon 19 of DNM2: This variant is not expected to have clinical sign ificance because it does not alter an amino acid residue and is not located with in the splice consensus sequence. It has been identified in 29.1% (2504/8600) of European American chromosomes from a broad population by the NHLBI Exome Sequen cing Project (dbSNP rs2229920).

Genetic Services Laboratory, University of Chicago
Classification: Likely benign. Last evaluated: 2013-08-15. Review status: criteria provided, single submitter. Criteria: ACMG Guidelines, 2007. Collection method: clinical testing. Allele origin: germline. Inheritance: Autosomal dominant inheritance.
Comment: Likely benign based on allele frequency in 1000 Genomes Project or ESP global frequency and its presence in a patient with a rare or unrelated disease phenotype. NOT Sanger confirmed

Breakthrough Genomics
Classification: Likely benign. Review status: criteria provided, single submitter. Criteria: ACMG Guidelines, 2015. Collection method: not provided. Allele origin: germline. Inheritance: Autosomal recessive inheritance. Affected: yes.

PreventionGenetics, part of Exact Sciences
Classification: Benign. Review status: criteria provided, single submitter. Criteria: ACMG Guidelines, 2015. Collection method: clinical testing. Allele origin: germline.

Clinical Genetics, Academic Medical Center
Classification: Benign. Review status: no assertion criteria provided. Collection method: clinical testing. Allele origin: germline. Affected: yes. Study: VKGL Data-share Consensus. Not counted in ClinVar's aggregate classification.

Joint Genome Diagnostic Labs from Nijmegen and Maastricht, Radboudumc and MUMC+
Classification: Benign. Review status: no assertion criteria provided. Collection method: clinical testing. Allele origin: germline. Affected: yes. Study: VKGL Data-share Consensus. Not counted in ClinVar's aggregate classification.

NM_001005361.3(DNM2):c.2139T>C (p.Ala713=)

Gene: DNM2 (dynamin 2; plus strand). Cytogenetic location: 19p13.2.
Variant type: single nucleotide variant.
Coding change: c.2139T>C on transcript NM_001005361.3 (MANE Select); coding-DNA position 2139, T replaced by C.
Protein change: p.Ala713=; no amino-acid change (alanine 713 retained).
Molecular consequence: synonymous variant.
Genome position (GRCh38, 1-based): chr19:10,829,116, T>C. VCF-style: chr19-10829116-T-C. GRCh37 (hg19) VCF-style: chr19-10939792-T-C.
Other names: p.Ala713=; c.2139T>C, p.Ala713= (NM_001005360.3, NM_001190716.2); c.2127T>C, p.Ala709= (NM_001005362.3, NM_004945.4).
Identifiers: ClinVar variation 158523 (VCV000158523.31), dbSNP rs2229920, ClinGen allele CA172122.